The following is an entry in ClinVar:

ClinVar aggregate classification (germline): Uncertain significance. Review status: criteria provided, multiple submitters, no conflicts (2 of 4 stars). 2 submissions from 2 submitters: Uncertain significance (2). Last evaluated 2025-09-28.

Conditions:
Agenesis of corpus callosum, cardiac, ocular, and genital syndrome. Identifiers: MedGen C5394523, MONDO:0030065, OMIM 618929.

Allele frequency attached by ClinVar (database versions not stated): TOPMed below 0.00001.

Submissions (2):

3billion
Classification: Uncertain significance for Agenesis of corpus callosum, cardiac, ocular, and genital syndrome. Last evaluated: 2025-09-28. Review status: criteria provided, single submitter. Criteria: ACMG Guidelines, 2015. Collection method: clinical testing. Allele origin: germline. Affected: yes.
Comment: The variant is not observed in the gnomAD v2.1.1 dataset. Predicted Consequence/Location: Intron variant In silico tools predict the variant to alter splicing and produce an abnormal transcript [SpliceAI: 0.97 (>=0.2, moderate evidence for spliceogenicity)]. Therefore, this variant is classified as VUS according to the recommendation of ACMG/AMP guideline.

Labcorp Genetics (formerly Invitae), Labcorp
Classification: Uncertain significance. Last evaluated: 2023-01-03. Review status: criteria provided, single submitter. Criteria: Invitae Variant Classification Sherloc (09022015). Collection method: clinical testing. Allele origin: germline.
Comment: In summary, the available evidence is currently insufficient to determine the role of this variant in disease. Therefore, it has been classified as a Variant of Uncertain Significance. Algorithms developed to predict the effect of sequence changes on RNA splicing suggest that this variant may disrupt the consensus splice site. ClinVar contains an entry for this variant (Variation ID: 1386459). This variant has not been reported in the literature in individuals affected with CDH2-related conditions. This variant is not present in population databases (gnomAD no frequency). This sequence change falls in intron 6 of the CDH2 gene. It does not directly change the encoded amino acid sequence of the CDH2 protein.

NM_001792.5(CDH2):c.848-16T>G

Gene: CDH2 (cadherin 2; minus strand). Cytogenetic location: 18q12.1.
Variant type: single nucleotide variant.
Coding change: c.848-16T>G on transcript NM_001792.5 (MANE Select); 16 bases into the intron before coding-DNA position 848, T replaced by G.
Molecular consequence: intron variant.
Genome position (GRCh38, 1-based): chr18:28,003,185, A>C on the plus strand (T>G on the coding strand, the complement: CDH2 is on the minus strand). VCF-style: chr18-28003185-A-C. GRCh37 (hg19) VCF-style: chr18-25583149-A-C.
Other names: c.755-16T>G (NM_001308176.2).
Identifiers: ClinVar variation 1386459 (VCV001386459.7), dbSNP rs908418353, ClinGen allele CA297917260.